The following is an entry in ClinVar:

NM_025114.4(CEP290):c.5009_5012del (p.Leu1670fs)

Gene: CEP290 (centrosomal protein 290; minus strand). Cytogenetic location: 12q21.32.
Variant type: Deletion.
Coding change: c.5009_5012del on transcript NM_025114.4 (MANE Select); coding-DNA positions 5009 to 5012, 4 bases deleted (TACA; older notation c.5009_5012delTACA).
Protein change: p.Leu1670fs; shifts the reading frame from leucine 1670.
Molecular consequence: frameshift variant.
Genome position (GRCh38, 1-based): chr12:88,083,031-88,083,034, TGTA deleted on the plus strand (TACA on the coding strand, the reverse complement: CEP290 is on the minus strand). VCF-style (leftmost placement, unchanged base first): chr12-88083030-CTGTA-C. GRCh37 (hg19) VCF-style: chr12-88476807-CTGTA-C.
Other names: short protein forms L1670fs.
Identifiers: ClinVar variation 1454151 (VCV001454151.9), dbSNP rs2137150860, ClinGen allele CA2573149009.
Genomic context (GRCh38, chr12:88,083,030, plus strand): 5'-GTTTATCTTCATTATATCACTTATCATTTGCCTATTTTTACAATACATTTCGAAGACTTA[CTGTA>C]ATTTGATATTTTCAAATTCTTTTACTTTTAATTCAGTGATTTCTCTTTGTCTCTCCAAAT-3'

ClinVar aggregate classification (germline): Pathogenic/Likely pathogenic. Review status: criteria provided, multiple submitters, no conflicts (2 of 4 stars). 3 submissions from 3 submitters: Pathogenic (1); Likely pathogenic (2). Last evaluated 2025-05-15.

Conditions:
Joubert syndrome 5 (JBTS5). Identifiers: Orphanet 2318, MedGen C1857780, MONDO:0012432, OMIM 610188.
Leber congenital amaurosis 10 (LCA10). Identifiers: Orphanet 65, MedGen C1857821, MONDO:0012723, OMIM 611755.
Senior-Loken syndrome 6 (SLSN6). Identifiers: Orphanet 3156, MedGen C1857779, MONDO:0012433, OMIM 610189.
Meckel syndrome, type 4 (MKS4). Also called: MECKEL-GRUBER SYNDROME, TYPE 4. Identifiers: Orphanet 564, MedGen C1970161, MONDO:0012626, OMIM 611134.
Bardet-Biedl syndrome 14 (BBS14). Identifiers: Orphanet 110, MedGen C2673874, MONDO:0014442, OMIM 615991.
CEP290-related ciliopathy. Also called: CEP290 ciliopathy. Identifiers: MedGen CN305601, MONDO:0100451.
Meckel-Gruber syndrome. Also called: DYSENCEPHALIA SPLANCHNOCYSTICA; GRUBER SYNDROME; Dysencephalia splachnocystica. Identifiers: Orphanet 564, MedGen C0265215, MONDO:0018921.
Joubert syndrome. Also called: JOUBERT-BOLTSHAUSER SYNDROME; Familial aplasia of the vermis. Identifiers: Orphanet 475, MedGen C5979921, MONDO:0018772.
Nephronophthisis. Also called: Juvenile Nephronophthisis. Identifiers: Orphanet 655, MedGen C0687120, MONDO:0019005, HP:0000090.

Submissions (3):

Division of Genetic & Genomic Pathology, Hong Kong Children's Hospital
Classification: Likely pathogenic for CEP290-related ciliopathy. Last evaluated: 2025-05-15. Review status: criteria provided, single submitter. Criteria: ACMG Guidelines, 2015. Collection method: clinical testing. Allele origin: germline. Affected: yes.
Comment: CEP290 c.5009_5012del is a 4-bp deletion located in exon 37 (out of 54 exons). It causes frameshift and is predicted to result in loss of protein function by nonsense-mediated mRNA decay. This variant is absent in population control databases (gnomAD v2.1.1 and v4.1.0). It has been deposited in ClinVar as pathogenic/likely pathogenic variant (VCV001454151.5). For these reasons, this variant is classified as likely pathogenic. This variant is in trans with another nonsense pathogenic variant.

Labcorp Genetics (formerly Invitae), Labcorp
Classification: Pathogenic for Joubert syndrome; Meckel-Gruber syndrome; Nephronophthisis. Last evaluated: 2021-11-03. Review status: criteria provided, single submitter. Criteria: Invitae Variant Classification Sherloc (09022015). Collection method: clinical testing. Allele origin: germline.
Comment: This sequence change creates a premature translational stop signal (p.Leu1670Cysfs*10) in the CEP290 gene. It is expected to result in an absent or disrupted protein product. Loss-of-function variants in CEP290 are known to be pathogenic (PMID: 16909394, 17345604, 20690115). This variant is not present in population databases (gnomAD no frequency). This premature translational stop signal has been observed in individual(s) with Leber congenital amaurosis (PMID: 31630094). Algorithms developed to predict the effect of sequence changes on RNA splicing suggest that this variant may disrupt the consensus splice site. For these reasons, this variant has been classified as Pathogenic.

Juno Genomics, Hangzhou Juno Genomics, Inc
Classification: Likely pathogenic for Bardet-Biedl syndrome 14; Joubert syndrome 5; Leber congenital amaurosis 10; Meckel syndrome, type 4; Senior-Loken syndrome 6. Review status: criteria provided, single submitter. Criteria: ACMG Guidelines, 2015. Collection method: clinical testing. Allele origin: germline. Affected: yes.
Comment: Null variant in a gene where loss of function (LOF) is a known mechanism of disease.;Absent from controls (or at extremely low frequency if recessive) in Genome Aggregation Database, Exome Sequencing Project, 1000 Genomes Project, or Exome Aggregation Consortium.

Literature cited by the submitters: PubMed 16909394 (cited by Labcorp Genetics (formerly Invitae), Labcorp); PubMed 17345604 (cited by Labcorp Genetics (formerly Invitae), Labcorp); PubMed 20690115 (cited by Labcorp Genetics (formerly Invitae), Labcorp); PubMed 31630094 (cited by Labcorp Genetics (formerly Invitae), Labcorp).